The following is an entry in ClinVar:

NM_004752.4(GCM2):c.518G>T (p.Ser173Ile)

Gene: GCM2 (glial cells missing transcription factor 2; minus strand). Cytogenetic location: 6p24.2.
Variant type: single nucleotide variant.
Coding change: c.518G>T on transcript NM_004752.4 (MANE Select); coding-DNA position 518, G replaced by T.
Protein change: p.Ser173Ile; replaces serine 173 with isoleucine.
Molecular consequence: missense variant.
Genome position (GRCh38, 1-based): chr6:10,875,955, C>A on the plus strand (G>T on the coding strand, the complement: GCM2 is on the minus strand). VCF-style: chr6-10875955-C-A. GRCh37 (hg19) VCF-style: chr6-10876188-C-A.
Other names: short protein forms S173I.
Identifiers: ClinVar variation 3375520 (VCV003375520.1).

ClinVar aggregate classification (germline): Uncertain significance (1 of 4 stars; one submission).

Submission:

GeneDx
Classification: Uncertain significance. Last evaluated: 2024-05-06. Review status: criteria provided, single submitter. Criteria: GeneDx Variant Classification Process June 2021. Collection method: clinical testing. Allele origin: germline. Affected: yes.
Comment: Not observed at significant frequency in large population cohorts (gnomAD); In silico analysis supports that this missense variant has a deleterious effect on protein structure/function; Has not been previously published as pathogenic or benign to our knowledge